The following is an entry in ClinVar:

ClinVar aggregate classification (germline): Uncertain significance (1 of 4 stars; one submission).

Conditions:
Charcot-Marie-Tooth disease type 4. Also called: Charcot-Marie-Tooth disease, type IV; Charcot-Marie-Tooth, Type 4. Identifiers: Orphanet 64749, MedGen C4082197, MONDO:0018995.

Allele frequency attached by ClinVar (database versions not stated): gnomAD exomes below 0.00001.
gnomAD v4.1: 2 of 1,613,704 alleles (0.00012%); highest among the groups gnomAD compares: South Asian, 0.0022%; no homozygotes.

Submission:

Labcorp Genetics (formerly Invitae), Labcorp
Classification: Uncertain significance for Charcot-Marie-Tooth disease type 4. Last evaluated: 2022-03-20. Review status: criteria provided, single submitter. Criteria: Invitae Variant Classification Sherloc (09022015). Collection method: clinical testing. Allele origin: germline.
Comment: In summary, the available evidence is currently insufficient to determine the role of this variant in disease. Therefore, it has been classified as a Variant of Uncertain Significance. Variants that disrupt the consensus splice site are a relatively common cause of aberrant splicing (PMID: 17576681, 9536098). Algorithms developed to predict the effect of sequence changes on RNA splicing suggest that this variant is not likely to affect RNA splicing. This variant has not been reported in the literature in individuals affected with FGD4-related conditions. This variant is not present in population databases (gnomAD no frequency). This sequence change falls in intron 6 of the FGD4 gene. It does not directly change the encoded amino acid sequence of the FGD4 protein. It affects a nucleotide within the consensus splice site.

Literature cited by the submitters: PubMed 17576681; PubMed 9536098.

NM_001370298.3(FGD4):c.1248-3C>T

Gene: FGD4 (FYVE, RhoGEF and PH domain containing 4; plus strand). Cytogenetic location: 12p11.21.
Variant type: single nucleotide variant.
Coding change: c.1248-3C>T on transcript NM_001370298.3 (MANE Select); 3 bases into the intron before coding-DNA position 1248, C replaced by T.
Molecular consequence: intron variant.
Genome position (GRCh38, 1-based): chr12:32,602,158, C>T. VCF-style: chr12-32602158-C-T. GRCh37 (hg19) VCF-style: chr12-32755092-C-T.
Other names: c.1248-3C>T (NM_001384126.1); c.1092-3C>T (NM_001304481.2); c.558-3C>T (NM_001330374.2, NM_001330373.2, NM_001384130.1); c.837-3C>T (NM_139241.3, NM_001384127.1, NM_001385118.1 and 1 more transcripts); c.-215-3C>T (NM_001304484.2); c.285-3C>T (NM_001370297.1); c.93-3C>T (NM_001304483.2).
Identifiers: ClinVar variation 2114796 (VCV002114796.4), dbSNP rs755168497, ClinGen allele CA2575117499.